The following is an entry in ClinVar:

NM_000785.4(CYP27B1):c.1340C>T (p.Pro447Leu)

Gene: CYP27B1 (cytochrome P450 family 27 subfamily B member 1; minus strand). Cytogenetic location: 12q14.1.
Variant type: single nucleotide variant.
Coding change: c.1340C>T on transcript NM_000785.4 (MANE Select); coding-DNA position 1340, C replaced by T.
Protein change: p.Pro447Leu; replaces proline 447 with leucine.
Molecular consequence: missense variant.
Genome position (GRCh38, 1-based): chr12:57,763,684, G>A on the plus strand (C>T on the coding strand, the complement: CYP27B1 is on the minus strand). VCF-style: chr12-57763684-G-A. GRCh37 (hg19) VCF-style: chr12-58157467-G-A.
Other names: short protein forms P447L.
Identifiers: ClinVar variation 1037735 (VCV001037735.8), dbSNP rs1955336347, ClinGen allele CA385500904.

ClinVar aggregate classification (germline): Uncertain significance (1 of 4 stars; one submission).

Submission:

Labcorp Genetics (formerly Invitae), Labcorp
Classification: Uncertain significance. Last evaluated: 2020-09-18. Review status: criteria provided, single submitter. Criteria: Invitae Variant Classification Sherloc (09022015). Collection method: clinical testing. Allele origin: germline.
Comment: This sequence change replaces proline with leucine at codon 447 of the CYP27B1 protein (p.Pro447Leu). The proline residue is highly conserved and there is a moderate physicochemical difference between proline and leucine. This variant is not present in population databases (ExAC no frequency). In summary, the available evidence is currently insufficient to determine the role of this variant in disease. Therefore, it has been classified as a Variant of Uncertain Significance. Algorithms developed to predict the effect of missense changes on protein structure and function (SIFT, PolyPhen-2, Align-GVGD) all suggest that this variant is likely to be disruptive, but these predictions have not been confirmed by published functional studies and their clinical significance is uncertain. This variant has been observed in individual(s) with clinical features of vitamin D-dependent rickets (Invitae). In at least one individual the data is consistent with the variant being in trans (on the opposite chromosome) from a pathogenic variant.